The following is an entry in ClinVar:

NM_198525.3(KIF7):c.2779C>T (p.Arg927Trp)

Gene: KIF7 (kinesin family member 7; minus strand). Cytogenetic location: 15q26.1.
Variant type: single nucleotide variant.
Coding change: c.2779C>T on transcript NM_198525.3 (MANE Select); coding-DNA position 2779, C replaced by T.
Protein change: p.Arg927Trp; replaces arginine 927 with tryptophan.
Molecular consequence: missense variant.
Genome position (GRCh38, 1-based): chr15:89,632,936, G>A on the plus strand (C>T on the coding strand, the complement: KIF7 is on the minus strand). VCF-style: chr15-89632936-G-A. GRCh37 (hg19) VCF-style: chr15-90176167-G-A.
Other names: c.2779C>T (NM_198525.2); short protein forms R927W.
Identifiers: ClinVar variation 1512115 (VCV001512115.6), dbSNP rs766347192, ClinGen allele CA7727948.

ClinVar aggregate classification (germline): Uncertain significance. Review status: criteria provided, multiple submitters, no conflicts (2 of 4 stars). 2 submissions from 2 submitters: Uncertain significance (2). Last evaluated 2025-12-04.

Conditions:
Acrocallosal syndrome (ACLS). Also called: HALLUX DUPLICATION, POSTAXIAL POLYDACTYLY, AND ABSENCE OF CORPUS CALLOSUM; Schinzel syndrome 1; Absence of corpus callosum with unusual facial appearance, mental deficiency, duplication of the halluces and polydactyly. Identifiers: Orphanet 36, MedGen C0796147, MONDO:0008708, OMIM 200990.

Allele frequency attached by ClinVar (database versions not stated): ExAC 0.00003.
gnomAD v4.1: 25 of 1,587,400 alleles (0.0016%); highest among the groups gnomAD compares: Admixed American, 0.014%; no homozygotes.

Submissions (2):

Labcorp Genetics (formerly Invitae), Labcorp
Classification: Uncertain significance for Acrocallosal syndrome. Last evaluated: 2025-12-04. Review status: criteria provided, single submitter. Criteria: Invitae Variant Classification Sherloc (09022015). Collection method: clinical testing. Allele origin: germline.
Comment: This sequence change replaces arginine, which is basic and polar, with tryptophan, which is neutral and slightly polar, at codon 927 of the KIF7 protein (p.Arg927Trp). This variant is present in population databases (rs766347192, gnomAD 0.009%). This variant has not been reported in the literature in individuals affected with KIF7-related conditions. ClinVar contains an entry for this variant (Variation ID: 1512115). Invitae Evidence Modeling of protein sequence and biophysical properties (such as structural, functional, and spatial information, amino acid conservation, physicochemical variation, residue mobility, and thermodynamic stability) indicates that this missense variant is not expected to disrupt KIF7 protein function with a negative predictive value of 80%. In summary, the available evidence is currently insufficient to determine the role of this variant in disease. Therefore, it has been classified as a Variant of Uncertain Significance.

GeneDx
Classification: Uncertain significance. Last evaluated: 2023-05-08. Review status: criteria provided, single submitter. Criteria: GeneDx Variant Classification Process June 2021. Collection method: clinical testing. Allele origin: germline. Affected: yes.
Comment: Not observed at significant frequency in large population cohorts (gnomAD); In silico analysis supports that this missense variant has a deleterious effect on protein structure/function; Has not been previously published as pathogenic or benign to our knowledge